The following is an entry in ClinVar:

NM_006924.5(SRSF1):c.421A>G (p.Met141Val)

Genes: SRSF1 (serine and arginine rich splicing factor 1; minus strand), LOC126862603 (BRD4-independent group 4 enhancer GRCh37_chr17:56082218-56083417; plus strand). Cytogenetic location: 17q22.
Variant type: single nucleotide variant.
Coding change: c.421A>G on transcript NM_006924.5 (MANE Select); coding-DNA position 421, A replaced by G.
Protein change: p.Met141Val; replaces methionine 141 with valine.
Molecular consequence: missense variant. On other transcripts: non-coding transcript variant (2).
Genome position (GRCh38, 1-based): chr17:58,005,932, T>C on the plus strand (A>G on the coding strand, the complement: SRSF1 is on the minus strand). VCF-style: chr17-58005932-T-C. GRCh37 (hg19) VCF-style: chr17-56083293-T-C.
Other names: c.421A>G, p.Met141Val (NM_001078166.2); short protein forms M141V.
Identifiers: ClinVar variation 3680632 (VCV003680632.2).

ClinVar aggregate classification (germline): Uncertain significance (1 of 4 stars; one submission).

Submission:

Labcorp Genetics (formerly Invitae), Labcorp
Classification: Uncertain significance. Last evaluated: 2024-04-22. Review status: criteria provided, single submitter. Criteria: Invitae Variant Classification Sherloc (09022015). Collection method: clinical testing. Allele origin: germline.
Comment: This sequence change replaces methionine, which is neutral and non-polar, with valine, which is neutral and non-polar, at codon 141 of the SRSF1 protein (p.Met141Val). This variant is not present in population databases (gnomAD no frequency). This variant has not been reported in the literature in individuals affected with SRSF1-related conditions. An algorithm developed to predict the effect of missense changes on protein structure and function (PolyPhen-2) suggests that this variant is likely to be disruptive. In summary, the available evidence is currently insufficient to determine the role of this variant in disease. Therefore, it has been classified as a Variant of Uncertain Significance.